The following is an entry in ClinVar:

ClinVar aggregate classification (germline): Benign. Review status: criteria provided, multiple submitters, no conflicts (2 of 4 stars). 4 submissions from 4 submitters: Benign (4). Last evaluated 2026-02-04.

Conditions:
Epidermodysplasia verruciformis. Identifiers: Orphanet 302, MedGen C0014522, MONDO:0009176.

Allele frequency attached by ClinVar (database versions not stated): ESP Exome Variant Server 0.11463; 1000 Genomes Project 30x 0.10322; 1000 Genomes Project 0.10803.
gnomAD v4.1: 239,941 of 1,606,306 alleles (15%); highest among the groups gnomAD compares: Middle Eastern, 21%; 18,870 homozygotes.

Submissions (4):

Labcorp Genetics (formerly Invitae), Labcorp
Classification: Benign for Epidermodysplasia verruciformis. Last evaluated: 2026-02-04. Review status: criteria provided, single submitter. Criteria: Invitae Variant Classification Sherloc (09022015). Collection method: clinical testing. Allele origin: germline.

Unidad de Genómica Garrahan, Hospital de Pediatría Garrahan
Classification: Benign. Last evaluated: 2024-01-24. Review status: criteria provided, single submitter. Criteria: ACMG Guidelines, 2015. Collection method: clinical testing. Allele origin: germline. Affected: no. Observed: 23 variant alleles.
Comment: This variant is classified as Benign based on local population frequency. This variant was detected in 24% of patients studied by a panel of primary immunodeficiencies. Number of patients: 23. Only high quality variants are reported.

GeneDx
Classification: Benign. Last evaluated: 2018-07-09. Review status: criteria provided, single submitter. Criteria: GeneDx Variant Classification Process June 2021. Collection method: clinical testing. Allele origin: germline. Affected: yes.

Breakthrough Genomics
Classification: Benign. Review status: criteria provided, single submitter. Criteria: ACMG Guidelines, 2015. Collection method: not provided. Allele origin: germline. Inheritance: Autosomal recessive inheritance. Affected: yes.

NM_001127198.5(TMC6):c.1950C>T (p.Thr650=)

Gene: TMC6 (transmembrane channel like 6; minus strand). Cytogenetic location: 17q25.3.
Variant type: single nucleotide variant.
Coding change: c.1950C>T on transcript NM_001127198.5 (MANE Select); coding-DNA position 1950, C replaced by T.
Protein change: p.Thr650=; no amino-acid change (threonine 650 retained).
Molecular consequence: synonymous variant.
Genome position (GRCh38, 1-based): chr17:78,117,873, G>A on the plus strand (C>T on the coding strand, the complement: TMC6 is on the minus strand). VCF-style: chr17-78117873-G-A. GRCh37 (hg19) VCF-style: chr17-76113954-G-A.
Other names: c.1950C>T, p.Thr650= (NM_001321185.1, NM_001374596.1, NM_001375353.1 and 2 more transcripts); c.1770C>T, p.Thr590= (NM_001374593.1, NM_001374594.1).
Identifiers: ClinVar variation 1165515 (VCV001165515.15), dbSNP rs2613516, ClinGen allele CA8795489.
Genomic context (GRCh38, chr17:78,117,873, plus strand): 5'-GTAGCAGAGGAAGACAGCGGCGCCCAGGAAGGCGGGGAAGCAGAGCAGCGTGAGGAAGAC[G>A]GTGCTCATGTGTGAGGCCAGCCAGGGCCGGCGCGGCGCCTGGCAGTTGGCCAGAAGGCTG-3'
Protein context (NP_001120670.1, residues 640-660): RRPWLASHMS[Thr650=]VFLTLLCFPA